The following is an entry in ClinVar:

ClinVar aggregate classification (germline): Likely pathogenic (1 of 4 stars; one submission).

Conditions:
KBG syndrome (KBGS). Also called: ANKRD11-Related KBG Syndrome. Identifiers: Orphanet 2332, MedGen C0220687, MONDO:0007846, OMIM 148050.

Submission:

Labcorp Genetics (formerly Invitae), Labcorp
Classification: Likely pathogenic for KBG syndrome. Last evaluated: 2021-10-29. Review status: criteria provided, single submitter. Criteria: Invitae Variant Classification Sherloc (09022015). Collection method: clinical testing. Allele origin: germline.
Comment: This sequence change affects an acceptor splice site in intron 8 of the ANKRD11 gene. It is expected to disrupt RNA splicing. Variants that disrupt the donor or acceptor splice site typically lead to a loss of protein function (PMID: 16199547), and loss-of-function variants in ANKRD11 are known to be pathogenic (PMID: 21782149, 25125236, 25413698, 25652421). Algorithms developed to predict the effect of sequence changes on RNA splicing suggest that this variant may disrupt the consensus splice site. This variant has not been reported in the literature in individuals affected with ANKRD11-related conditions. This variant is not present in population databases (gnomAD no frequency). In summary, the currently available evidence indicates that the variant is pathogenic, but additional data are needed to prove that conclusively. Therefore, this variant has been classified as Likely Pathogenic.

Literature cited by the submitters: PubMed 16199547; PubMed 21782149; PubMed 25125236; PubMed 25413698; PubMed 25652421.

NM_013275.6(ANKRD11):c.893-2A>G

Gene: ANKRD11 (ankyrin repeat domain 11; minus strand). Cytogenetic location: 16q24.3.
Variant type: single nucleotide variant.
Coding change: c.893-2A>G on transcript NM_013275.6 (MANE Select); the canonical splice acceptor site of the intron before coding-DNA position 893, A replaced by G.
Molecular consequence: splice acceptor variant.
Genome position (GRCh38, 1-based): chr16:89,285,651, T>C on the plus strand (A>G on the coding strand, the complement: ANKRD11 is on the minus strand). VCF-style: chr16-89285651-T-C. GRCh37 (hg19) VCF-style: chr16-89352059-T-C.
Other names: c.893-2A>G (NM_001256183.2, NM_001256182.2).
Identifiers: ClinVar variation 1347540 (VCV001347540.6), dbSNP rs2151766883, ClinGen allele CA397166228.